The following is an entry in ClinVar:

ClinVar aggregate classification (germline): Uncertain significance (1 of 4 stars; one submission).

Submission:

Women's Health and Genetics/Laboratory Corporation of America, LabCorp
Classification: Uncertain significance. Last evaluated: 2021-09-17. Review status: criteria provided, single submitter. Criteria: LabCorp Variant Classification Summary - May 2015. Collection method: clinical testing. Allele origin: germline.
Comment: Variant summary: ERCC5 c.3188_3192delCCTTA (p.Thr1063ArgfsX15) results in a premature termination codon, predicted to cause a disruption of last 124 amino acids or absence of the protein due to nonsense mediated decay, which are commonly known mechanisms for disease. Only one truncation variant downstream of this position have been classified as likely pathogenic by another laboratory without clinical information (ClinVar). However, a mouse model with a homozygous deletion of the last 183 amino acids of the ERCC5 protein has normal life span and no particular growth abnormalities. And cells with this homozygous deletion are sensitive to UV-light, but may still retains residual ability to remove UV light-induced lesions (PMID 15082767). The variant was absent in 250952 control chromosomes. To our knowledge, no occurrence of c.3188_3192delCCTTA in individuals affected with Xeroderma Pigmentosum and no experimental evidence demonstrating its impact on protein function have been reported. No clinical diagnostic laboratories have submitted clinical-significance assessments for this variant to ClinVar after 2014. Based on the evidence outlined above, the variant was classified as VUS.

NM_000123.4(ERCC5):c.3188_3192del (p.Thr1063fs)

Genes: BIVM-ERCC5 (BIVM-ERCC5 readthrough; plus strand), ERCC5 (ERCC excision repair 5, endonuclease; plus strand). Cytogenetic location: 13q33.1.
Variant type: Deletion.
Coding change: c.3188_3192del on transcript NM_000123.4 (MANE Select); coding-DNA positions 3188 to 3192, 5 bases deleted (CCTTA; older notation c.3188_3192delCCTTA).
Protein change: p.Thr1063fs; shifts the reading frame from threonine 1063.
Molecular consequence: frameshift variant.
Genome position (GRCh38, 1-based): chr13:102,875,530-102,875,534, CCTTA deleted; deleting any 5 consecutive bases within chr13:102,875,528-102,875,534 gives the same sequence; the c. name uses the placement nearest the transcript's 3' end. VCF-style (leftmost placement, unchanged base first): chr13-102875527-ATACCT-A. GRCh37 (hg19) VCF-style: chr13-103527877-ATACCT-A.
Other names: c.4550_4554del, p.Thr1517fs (NM_001204425.2); short protein forms T1063fs, T1517fs.
Identifiers: ClinVar variation 1301309 (VCV001301309.1), dbSNP rs2140543372, ClinGen allele CA2573053773.